The following is an entry in ClinVar:

ClinVar aggregate classification (germline): Pathogenic. Review status: criteria provided, multiple submitters, no conflicts (2 of 4 stars). 3 submissions from 3 submitters: Pathogenic (2). 1 of the submissions does not count toward it. Last evaluated 2024-05-02.

Conditions:
Junctional epidermolysis bullosa gravis of Herlitz. Also called: EPIDERMOLYSIS BULLOSA JUNCTIONALIS, HERLITZ TYPE; EPIDERMOLYSIS BULLOSA, JUNCTIONAL, HERLITZ-PEARSON TYPE; JEB-HERLITZ TYPE; EPIDERMOLYSIS BULLOSA, JUNCTIONAL 1B, SEVERE; Epidermolysis Bullosa Letalis; Herlitz-type junctional epidermolysis bullosa. Identifiers: Orphanet 79404, MedGen C0079683, MONDO:0009182, OMIM 226700.
Junctional epidermolysis bullosa, non-Herlitz type. Also called: EPIDERMOLYSIS BULLOSA JUNCTIONALIS, DISENTIS TYPE; EPIDERMOLYSIS BULLOSA JUNCTIONALIS, NON-HERLITZ TYPE; EPIDERMOLYSIS BULLOSA JUNCTIONALIS, PROGRESSIVE; EPIDERMOLYSIS BULLOSA JUNCTIONALIS, SEVERE NONLETHAL; EPIDERMOLYSIS BULLOSA, JUNCTIONAL 1A, INTERMEDIATE; Adult junctional epidermolysis bullosa. Identifiers: Orphanet 251393, Orphanet 79402, Orphanet 79405, Orphanet 89840, MedGen C0268374, MONDO:0009180, OMIM 226650.
Amelogenesis imperfecta type 1A. Also called: Amelogenesis imperfecta local hypoplastic; Amelogenesis imperfecta, hypoplastic type; AMELOGENESIS IMPERFECTA, HYPOPLASTIC TYPE IA; Amelogenesis imperfecta, type IA. Identifiers: Orphanet 88661, MedGen C4011403, MONDO:0007094, OMIM 104530.

Allele frequency attached by ClinVar (database versions not stated): TOPMed below 0.00001; ExAC 0.00001; gnomAD exomes 0.00001 and 0.00002; gnomAD 0.00002.

Submissions (3):

Fulgent Genetics
Classification: Pathogenic for Amelogenesis imperfecta type 1A; Junctional epidermolysis bullosa, non-Herlitz type; Junctional epidermolysis bullosa gravis of Herlitz. Last evaluated: 2024-05-02. Review status: criteria provided, single submitter. Criteria: ACMG Guidelines, 2015. Collection method: clinical testing. Allele origin: germline.

Labcorp Genetics (formerly Invitae), Labcorp
Classification: Pathogenic. Last evaluated: 2022-03-01. Review status: criteria provided, single submitter. Criteria: Invitae Variant Classification Sherloc (09022015). Collection method: clinical testing. Allele origin: germline.
Comment: This sequence change creates a premature translational stop signal (p.His326Profs*70) in the LAMB3 gene. It is expected to result in an absent or disrupted protein product. Loss-of-function variants in LAMB3 are known to be pathogenic (PMID: 11023379, 16473856). This variant is present in population databases (rs753711190, gnomAD 0.004%). For these reasons, this variant has been classified as Pathogenic. ClinVar contains an entry for this variant (Variation ID: 551490). This premature translational stop signal has been observed in individual(s) with autosomal recessive Herlitz junctional epidermolysis bullosa (PMID: 11298117).

Counsyl
Classification: Likely pathogenic for Junctional epidermolysis bullosa gravis of Herlitz. Last evaluated: 2017-04-25. Review status: no assertion criteria provided. Collection method: clinical testing. Allele origin: unknown. Not counted in ClinVar's aggregate classification.

Literature cited by the submitters: PubMed 11023379 (cited by Labcorp Genetics (formerly Invitae), Labcorp); PubMed 16473856 (cited by Labcorp Genetics (formerly Invitae), Labcorp); PubMed 11298117 (cited by Labcorp Genetics (formerly Invitae), Labcorp and Counsyl).

NM_000228.3(LAMB3):c.977del (p.His326fs)

Gene: LAMB3 (laminin subunit beta 3; minus strand). Cytogenetic location: 1q32.2.
Variant type: Deletion.
Coding change: c.977del on transcript NM_000228.3 (MANE Select); coding-DNA position 977, one base deleted (A; older notation c.977delA).
Protein change: p.His326fs; shifts the reading frame from histidine 326.
Molecular consequence: frameshift variant.
Genome position (GRCh38, 1-based): chr1:209,629,892, T deleted on the plus strand (A on the coding strand, the reverse complement: LAMB3 is on the minus strand). VCF-style (leftmost placement, unchanged base first): chr1-209629891-GT-G. GRCh37 (hg19) VCF-style: chr1-209803236-GT-G.
Other names: c.977del, p.His326fs (NM_001017402.2, NM_001127641.1); short protein forms H326fs.
Identifiers: ClinVar variation 551490 (VCV000551490.9), dbSNP rs753711190, ClinGen allele CA1375729.